The following is an entry in ClinVar:

NM_005902.4(SMAD3):c.947A>G (p.Gln316Arg)

Gene: SMAD3 (SMAD family member 3; plus strand). Cytogenetic location: 15q22.33.
Variant type: single nucleotide variant.
Coding change: c.947A>G on transcript NM_005902.4 (MANE Select); coding-DNA position 947, A replaced by G.
Protein change: p.Gln316Arg; replaces glutamine 316 with arginine.
Molecular consequence: missense variant.
Genome position (GRCh38, 1-based): chr15:67,184,802, A>G. VCF-style: chr15-67184802-A-G. GRCh37 (hg19) VCF-style: chr15-67477140-A-G.
Other names: c.632A>G, p.Gln211Arg (NM_001145102.2, NM_001407016.1); c.815A>G, p.Gln272Arg (NM_001145103.2, NM_001407012.1); c.362A>G, p.Gln121Arg (NM_001145104.2, NM_001407017.1); c.947A>G, p.Gln316Arg (NM_001407011.1); c.800A>G, p.Gln267Arg (NM_001407014.1); c.500A>G, p.Gln167Arg (NM_001407015.1); short protein forms Q267R, Q316R, Q121R, Q167R, Q272R, Q211R.
Identifiers: ClinVar variation 1767085 (VCV001767085.2), dbSNP rs863223745, ClinGen allele CA392957042.

ClinVar aggregate classification (germline): Uncertain significance (1 of 4 stars; one submission).

Conditions:
Familial thoracic aortic aneurysm and aortic dissection (TAAD). Also called: Thoracic aortic aneurysms and dissections. Identifiers: Orphanet 91387, MedGen C4707243, MONDO:0019625.

Submission:

Ambry Genetics
Classification: Uncertain significance for Familial thoracic aortic aneurysm and aortic dissection. Last evaluated: 2021-11-14. Review status: criteria provided, single submitter. Criteria: Ambry Variant Classification Scheme 2023. Collection method: clinical testing. Allele origin: germline.
Comment: The p.Q316R variant (also known as c.947A>G), located in coding exon 7 of the SMAD3 gene, results from an A to G substitution at nucleotide position 947. The glutamine at codon 316 is replaced by arginine, an amino acid with highly similar properties. This amino acid position is conserved. In addition, this alteration is predicted to be deleterious by in silico analysis. Since supporting evidence is limited at this time, the clinical significance of this alteration remains unclear.